The following is an entry in ClinVar:

NM_198859.4(PRICKLE2):c.*1605T>G

Genes: PRICKLE2 (prickle planar cell polarity protein 2; minus strand), PRICKLE2-AS1 (PRICKLE2 antisense RNA 1; plus strand). Cytogenetic location: 3p14.1.
Variant type: single nucleotide variant.
Coding change: c.*1605T>G on transcript NM_198859.4 (MANE Select); 1605 bases downstream of the stop codon, T replaced by G.
Molecular consequence: 3 prime UTR variant. On other transcripts: non-coding transcript variant (1).
Genome position (GRCh38, 1-based): chr3:64,097,446, A>C on the plus strand (T>G on the coding strand, the complement: PRICKLE2 is on the minus strand). VCF-style: chr3-64097446-A-C. GRCh37 (hg19) VCF-style: chr3-64083122-A-C.
Other names: c.*1605T>G (NM_001370528.1).
Identifiers: ClinVar variation 346451 (VCV000346451.6), dbSNP rs26938, ClinGen allele CA10619368.
Genomic context (GRCh38, chr3:64,097,446, plus strand): 5'-AGATGGCCACTGAGATACACCGGGCACTACATCGACAGTACATCTCACTACAGGTGGGTC[A>C]TCCGATGGATTATTTCAACTGCCACAATCCATTAAGGGGAGGAGGAGGATGGAAGAAACC-3'

ClinVar aggregate classification (germline): Benign. Review status: criteria provided, multiple submitters, no conflicts (2 of 4 stars). 2 submissions from 2 submitters: Benign (2). Last evaluated 2018-01-13.

Conditions:
Progressive myoclonic epilepsy. Also called: Progressive myoclonus epilepsy; Familial progressive myoclonic epilepsy; Myoclonus epilepsy; Myoclonic Epilepsies, Progressive. Identifiers: Orphanet 308, Orphanet 98261, MedGen C0751778, MONDO:0020074.

Allele frequency attached by ClinVar (database versions not stated): 1000 Genomes Project 30x 0.90740; 1000 Genomes Project 0.91214; TOPMed 0.91890; gnomAD 0.93091; gnomAD exomes 1.00000.
gnomAD v4.1: 141,855 of 152,584 alleles (93%); highest among the groups gnomAD compares: Non-Finnish European, 100%; 66,708 homozygotes.

Submissions (2):

Illumina Laboratory Services, Illumina
Classification: Benign for Progressive myoclonic epilepsy. Last evaluated: 2018-01-13. Review status: criteria provided, single submitter. Criteria: ICSL Variant Classification Criteria 13 December 2019. Collection method: clinical testing. Allele origin: germline.
Comment: This variant was observed in the ICSL laboratory as part of a predisposition screen in an ostensibly healthy population. It had not been previously curated by ICSL or reported in the Human Gene Mutation Database (HGMD: prior to June 1st, 2018), and was therefore a candidate for classification through an automated scoring system. Utilizing variant allele frequency, disease prevalence and penetrance estimates, and inheritance mode, an automated score was calculated to assess if this variant is too frequent to cause the disease. Based on the score and internal cut-off values, a variant classified as benign is not then subjected to further curation. The score for this variant resulted in a classification of benign for this disease.

Breakthrough Genomics
Classification: Benign. Review status: criteria provided, single submitter. Criteria: ACMG Guidelines, 2015. Collection method: not provided. Allele origin: germline. Inheritance: Unknown mechanism. Affected: yes.